The following is an entry in ClinVar:

NM_001376.5(DYNC1H1):c.5433G>A (p.Leu1811=)

Gene: DYNC1H1 (dynein cytoplasmic 1 heavy chain 1; plus strand). Cytogenetic location: 14q32.31.
Variant type: single nucleotide variant.
Coding change: c.5433G>A on transcript NM_001376.5 (MANE Select); coding-DNA position 5433, G replaced by A.
Protein change: p.Leu1811=; no amino-acid change (leucine 1811 retained).
Molecular consequence: synonymous variant.
Genome position (GRCh38, 1-based): chr14:102,005,236, G>A. VCF-style: chr14-102005236-G-A. GRCh37 (hg19) VCF-style: chr14-102471573-G-A.
Identifiers: ClinVar variation 1967809 (VCV001967809.6), dbSNP rs2503740206, ClinGen allele CA488184202.
Genomic context (GRCh38, chr14:102,005,236, plus strand): 5'-GTTAGCAGACTCTGTCCTCATGGAGCAGCCCCCACTCCGAAGGCGGAAGCTAGAACACTT[G>A]GTTAGTCTCACACCTGACTCCTTCCTTACCAGTTAGACTCTTACACCCTCAACCACACAG-3'
Protein context (NP_001367.2, residues 1801-1821): PPLRRRKLEH[Leu1811=]ITELVHQRDV

ClinVar aggregate classification (germline): Uncertain significance. Review status: criteria provided, multiple submitters, no conflicts (2 of 4 stars). 2 submissions from 2 submitters: Uncertain significance (2). Last evaluated 2024-04-09.

Conditions:
Charcot-Marie-Tooth disease axonal type 2O. Also called: CHARCOT-MARIE-TOOTH NEUROPATHY, AXONAL, TYPE 2O; CHARCOT-MARIE-TOOTH DISEASE, AXONAL, AUTOSOMAL DOMINANT, TYPE 2O; Charcot-Marie-Tooth Neuropathy Type 2O; Charcot-Marie-Tooth disease, axonal, type 20. Identifiers: Orphanet 284232, MedGen C3280220, MONDO:0013644, OMIM 614228.

Allele frequency attached by ClinVar (database versions not stated): gnomAD exomes 0.00001.
gnomAD v4.1: 3 of 1,614,100 alleles (0.00019%); highest among the groups gnomAD compares: Non-Finnish European, 0.00025%; no homozygotes.

Submissions (2):

GeneDx
Classification: Uncertain significance. Last evaluated: 2024-04-09. Review status: criteria provided, single submitter. Criteria: GeneDx Variant Classification Process June 2021. Collection method: clinical testing. Allele origin: germline. Affected: yes.
Comment: Not observed at significant frequency in large population cohorts (gnomAD); In silico analysis indicates that this variant does not alter splicing; Has not been previously published as pathogenic or benign to our knowledge

Labcorp Genetics (formerly Invitae), Labcorp
Classification: Uncertain significance for Charcot-Marie-Tooth disease axonal type 2O. Last evaluated: 2022-06-08. Review status: criteria provided, single submitter. Criteria: Invitae Variant Classification Sherloc (09022015). Collection method: clinical testing. Allele origin: germline.
Comment: This variant is not present in population databases (gnomAD no frequency). This sequence change affects codon 1811 of the DYNC1H1 mRNA. It is a 'silent' change, meaning that it does not change the encoded amino acid sequence of the DYNC1H1 protein. This variant also falls at the last nucleotide of exon 26, which is part of the consensus splice site for this exon. In summary, the available evidence is currently insufficient to determine the role of this variant in disease. Therefore, it has been classified as a Variant of Uncertain Significance. Variants that disrupt the consensus splice site are a relatively common cause of aberrant splicing (PMID: 17576681, 9536098). Algorithms developed to predict the effect of sequence changes on RNA splicing suggest that this variant is not likely to affect RNA splicing. This variant has not been reported in the literature in individuals affected with DYNC1H1-related conditions.

Literature cited by the submitters: PubMed 17576681 (cited by Labcorp Genetics (formerly Invitae), Labcorp); PubMed 9536098 (cited by Labcorp Genetics (formerly Invitae), Labcorp).